The following is an entry in ClinVar:

NM_001354604.2(MITF):c.1159C>T (p.His387Tyr)

Gene: MITF (melanocyte inducing transcription factor; plus strand). Cytogenetic location: 3p13.
Variant type: single nucleotide variant.
Coding change: c.1159C>T on transcript NM_001354604.2 (MANE Select); coding-DNA position 1159, C replaced by T.
Protein change: p.His387Tyr; replaces histidine 387 with tyrosine.
Molecular consequence: missense variant.
Genome position (GRCh38, 1-based): chr3:69,959,400, C>T. VCF-style: chr3-69959400-C-T. GRCh37 (hg19) VCF-style: chr3-70008551-C-T.
Other names: c.838C>T, p.His280Tyr (NM_000248.4); c.985C>T, p.His329Tyr (NM_001184967.2, NM_001354608.2); c.1156C>T, p.His386Tyr (NM_001354605.2); c.1138C>T, p.His380Tyr (NM_001354606.2, NM_006722.3); c.1090C>T, p.His364Tyr (NM_001354607.2); c.820C>T, p.His274Tyr (NM_198158.3); c.1141C>T, p.His381Tyr (NM_198159.3); c.1093C>T, p.His365Tyr (NM_198177.3); and 1 more; short protein forms H218Y, H274Y, H280Y, H329Y, H364Y, H365Y, H380Y, H381Y.
Identifiers: ClinVar variation 1217498 (VCV001217498.16), dbSNP rs140374965, ClinGen allele CA2490586.

ClinVar aggregate classification (germline): Uncertain significance. Review status: criteria provided, multiple submitters, no conflicts (2 of 4 stars). 5 submissions from 5 submitters: Uncertain significance (4). 1 of the submissions does not count toward it. Last evaluated 2026-01-06.

Conditions:
MITF-related disorder. Also called: MITF-related condition.
Waardenburg syndrome type 2A (WS2A). Also called: WAARDENBURG SYNDROME WITHOUT DYSTOPIA CANTHORUM. Identifiers: Orphanet 3440, MedGen C1860339, MONDO:0008671, OMIM 193510.
Tietz syndrome (TADS). Also called: ALBINISM-DEAFNESS OF TIETZ; HYPOPIGMENTATION/DEAFNESS OF TIETZ; TIETZ ALBINISM-DEAFNESS SYNDROME. Identifiers: Orphanet 42665, MedGen C0391816, MONDO:0007077, OMIM 103500.
Melanoma, cutaneous malignant, susceptibility to, 8. Also called: MELANOMA AND RENAL CELL CARCINOMA, SUSCEPTIBILITY TO; Cutaneous malignant melanoma 8. Identifiers: Orphanet 293822, MedGen C3152204, MONDO:0013759, OMIM 614456.
Coloboma, osteopetrosis, microphthalmia, macrocephaly, albinism, and deafness (COMMAD). Also called: COMMAD syndrome. Identifiers: Orphanet 603494, MedGen C4310625, MONDO:0015014, OMIM 617306.

Allele frequency attached by ClinVar (database versions not stated): ExAC 0.00003; TOPMed 0.00003; gnomAD 0.00005; gnomAD exomes 0.00006 and 0.00015; ESP Exome Variant Server 0.00008.
gnomAD v4.1: 227 of 1,613,790 alleles (0.014%); highest among the groups gnomAD compares: Non-Finnish European, 0.019%; no homozygotes.

Submissions (5):

Labcorp Genetics (formerly Invitae), Labcorp
Classification: Uncertain significance for Melanoma, cutaneous malignant, susceptibility to, 8; Waardenburg syndrome type 2A; Tietz syndrome. Last evaluated: 2026-01-06. Review status: criteria provided, single submitter. Criteria: Invitae Variant Classification Sherloc (09022015). Collection method: clinical testing. Allele origin: germline.
Comment: This sequence change replaces histidine, which is basic and polar, with tyrosine, which is neutral and polar, at codon 280 of the MITF protein (p.His280Tyr). This variant is present in population databases (rs140374965, gnomAD 0.01%). This variant has not been reported in the literature in individuals affected with MITF-related conditions. ClinVar contains an entry for this variant (Variation ID: 1217498). Invitae Evidence Modeling of protein sequence and biophysical properties (such as structural, functional, and spatial information, amino acid conservation, physicochemical variation, residue mobility, and thermodynamic stability) indicates that this missense variant is expected to disrupt MITF protein function with a positive predictive value of 80%. In summary, the available evidence is currently insufficient to determine the role of this variant in disease. Therefore, it has been classified as a Variant of Uncertain Significance.

GeneDx
Classification: Uncertain significance. Last evaluated: 2024-08-22. Review status: criteria provided, single submitter. Criteria: GeneDx Variant Classification Process June 2021. Collection method: clinical testing. Allele origin: germline. Affected: yes.
Comment: In silico analysis supports that this missense variant has a deleterious effect on protein structure/function; Has not been previously published as pathogenic or benign to our knowledge

Blueprint Genetics
Classification: Uncertain significance. Last evaluated: 2023-05-16. Review status: criteria provided, single submitter. Criteria: ACMG Guidelines, 2015. Collection method: clinical testing. Allele origin: germline.

Fulgent Genetics
Classification: Uncertain significance for Tietz syndrome; Waardenburg syndrome type 2A; Melanoma, cutaneous malignant, susceptibility to, 8; Coloboma, osteopetrosis, microphthalmia, macrocephaly, albinism, and deafness. Last evaluated: 2022-02-03. Review status: criteria provided, single submitter. Criteria: ACMG Guidelines, 2015. Collection method: clinical testing. Allele origin: unknown.

PreventionGenetics, part of Exact Sciences
Classification: Uncertain significance for MITF-related condition. Last evaluated: 2024-09-18. Review status: no assertion criteria provided. Collection method: clinical testing. Allele origin: germline. Not counted in ClinVar's aggregate classification.
Comment: The MITF c.838C>T variant is predicted to result in the amino acid substitution p.His280Tyr. To our knowledge, this variant has not been reported in the literature. This variant is reported in 0.012% of alleles in individuals of European (non-Finnish) descent in gnomAD. It is interpreted as uncertain significance in ClinVar. At this time, the clinical significance of this variant is uncertain due to the absence of conclusive functional and genetic evidence.